The following is an entry in ClinVar:

ClinVar aggregate classification (germline): Conflicting classifications of pathogenicity. Review status: criteria provided, conflicting classifications (1 of 4 stars). 2 submissions from 2 submitters: Uncertain significance (1); Likely benign (1). Last evaluated 2026-02-06.

Conditions:
Hereditary cancer-predisposing syndrome. Also called: Hereditary Cancer Syndrome; Neoplastic Syndromes, Hereditary; Tumor predisposition; Hereditary neoplastic syndrome. Identifiers: Orphanet 140162, MedGen C0027672, MeSH D009386, MONDO:0015356.
Neuroblastoma, susceptibility to, 3. Also called: ALK-Related Neuroblastic Tumor Susceptibility. Identifiers: Orphanet 635, MedGen C2751681, MONDO:0013083, OMIM 613014.

Submissions (2):

Ambry Genetics
Classification: Uncertain significance for Hereditary cancer-predisposing syndrome. Last evaluated: 2026-02-06. Review status: criteria provided, single submitter. Criteria: Ambry Variant Classification Scheme 2023. Collection method: clinical testing. Allele origin: germline.
Comment: The c.3360-5C>A intronic variant results from a C to A substitution 5 nucleotides upstream from coding exon 21 in the ALK gene. This nucleotide position is not well conserved in available vertebrate species. In silico splice site analysis predicts that this alteration will not have any significant effect on splicing. Based on the available evidence, the clinical significance of this variant remains unclear.

Labcorp Genetics (formerly Invitae), Labcorp
Classification: Likely benign for Neuroblastoma, susceptibility to, 3. Last evaluated: 2024-03-18. Review status: criteria provided, single submitter. Criteria: Invitae Variant Classification Sherloc (09022015). Collection method: clinical testing. Allele origin: germline.

NM_004304.5(ALK):c.3360-5C>A

Gene: ALK (ALK receptor tyrosine kinase; minus strand). Cytogenetic location: 2p23.2.
Variant type: single nucleotide variant.
Coding change: c.3360-5C>A on transcript NM_004304.5 (MANE Select); 5 bases into the intron before coding-DNA position 3360, C replaced by A.
Molecular consequence: intron variant.
Genome position (GRCh38, 1-based): chr2:29,222,612, G>T on the plus strand (C>A on the coding strand, the complement: ALK is on the minus strand). VCF-style: chr2-29222612-G-T. GRCh37 (hg19) VCF-style: chr2-29445478-G-T.
Other names: c.3360-5C>A (NM_004304.4); c.156-5C>A (NM_001353765.2).
Identifiers: ClinVar variation 3706594 (VCV003706594.3).